The following is an entry in ClinVar:

ClinVar aggregate classification (germline): Uncertain significance. Review status: criteria provided, multiple submitters, no conflicts (2 of 4 stars). 2 submissions from 2 submitters: Uncertain significance (2). Last evaluated 2026-02-05.

Conditions:
Hereditary cancer-predisposing syndrome. Also called: Tumor predisposition; Hereditary Cancer Syndrome; Neoplastic Syndromes, Hereditary; Hereditary neoplastic syndrome. Identifiers: Orphanet 140162, MedGen C0027672, MeSH D009386, MONDO:0015356.

Submissions (2):

Ambry Genetics
Classification: Uncertain significance for Hereditary cancer-predisposing syndrome. Last evaluated: 2026-02-05. Review status: criteria provided, single submitter. Criteria: Ambry Variant Classification Scheme 2023. Collection method: clinical testing. Allele origin: germline.
Comment: The c.1359+4C>A intronic variant results from a C to A substitution 4 nucleotides after coding exon 13 in the POLE gene. This nucleotide position is not well conserved in available vertebrate species. In silico splice site analysis predicts that this alteration will not have any significant effect on splicing. Based on the available evidence, the clinical significance of this variant remains unclear.

Labcorp Genetics (formerly Invitae), Labcorp
Classification: Uncertain significance. Last evaluated: 2021-02-05. Review status: criteria provided, single submitter. Criteria: Invitae Variant Classification Sherloc (09022015). Collection method: clinical testing. Allele origin: germline.
Comment: In summary, the available evidence is currently insufficient to determine the role of this variant in disease. Therefore, it has been classified as a Variant of Uncertain Significance. Nucleotide substitutions within the consensus splice site are a relatively common cause of aberrant splicing (PMID: 17576681, 9536098). Algorithms developed to predict the effect of sequence changes on RNA splicing suggest that this variant is not likely to affect RNA splicing, but this prediction has not been confirmed by published transcriptional studies. This variant has not been reported in the literature in individuals with POLE-related conditions. ClinVar contains an entry for this variant (Variation ID: 484576). This variant is not present in population databases (ExAC no frequency). This sequence change falls in intron 13 of the POLE gene. It does not directly change the encoded amino acid sequence of the POLE protein, but it affects a nucleotide within the consensus splice site of the intron.

Literature cited by the submitters: PubMed 17576681 (cited by Labcorp Genetics (formerly Invitae), Labcorp); PubMed 9536098 (cited by Labcorp Genetics (formerly Invitae), Labcorp).

NM_006231.4(POLE):c.1359+4C>A

Gene: POLE (DNA polymerase epsilon, catalytic subunit; minus strand). Cytogenetic location: 12q24.33.
Variant type: single nucleotide variant.
Coding change: c.1359+4C>A on transcript NM_006231.4 (MANE Select); 4 bases into the intron after coding-DNA position 1359, C replaced by A.
Molecular consequence: intron variant.
Genome position (GRCh38, 1-based): chr12:132,673,571, G>T on the plus strand (C>A on the coding strand, the complement: POLE is on the minus strand). VCF-style: chr12-132673571-G-T. GRCh37 (hg19) VCF-style: chr12-133250157-G-T.
Identifiers: ClinVar variation 484576 (VCV000484576.16), dbSNP rs752118019, ClinGen allele CA658658222.